The following is an entry in ClinVar:

ClinVar aggregate classification (germline): Conflicting classifications of pathogenicity. Review status: criteria provided, conflicting classifications (1 of 4 stars). 4 submissions from 4 submitters: Uncertain significance (2); Likely benign (2). Last evaluated 2026-09-24.

Conditions:
CDHR1-related disorder. Also called: CDHR1-related condition.
Cone-rod dystrophy 15 (CORD15). Identifiers: MedGen C3150912, MONDO:0013348, OMIM 613660.

Allele frequency attached by ClinVar (database versions not stated): gnomAD 0.00001 and 0.00015; TOPMed 0.00005; 1000 Genomes Project 30x 0.00047; gnomAD exomes 0.00058; 1000 Genomes Project 0.00060; ExAC 0.00067.
gnomAD v4.1: 488 of 1,613,618 alleles (0.03%); highest among the groups gnomAD compares: South Asian, 0.5%; 8 homozygotes.

Submissions (4):

PreventionGenetics, part of Exact Sciences
Classification: Likely benign for CDHR1-related condition. Last evaluated: 2026-09-24. Review status: criteria provided, single submitter. Criteria: ACMG Guidelines, 2015. Collection method: clinical testing. Allele origin: germline.
Comment: This variant is classified as likely benign based on ACMG/AMP sequence variant interpretation guidelines (Richards et al. 2015 PMID: 25741868, with internal and published modifications).

Labcorp Genetics (formerly Invitae), Labcorp
Classification: Likely benign. Last evaluated: 2026-01-12. Review status: criteria provided, single submitter. Criteria: Invitae Variant Classification Sherloc (09022015). Collection method: clinical testing. Allele origin: germline.

Blueprint Genetics
Classification: Uncertain significance. Last evaluated: 2024-06-28. Review status: criteria provided, single submitter. Criteria: ACMG Guidelines, 2015. Collection method: clinical testing. Allele origin: germline.

Illumina Laboratory Services, Illumina
Classification: Uncertain significance for Cone-rod dystrophy 15. Last evaluated: 2018-01-12. Review status: criteria provided, single submitter. Criteria: ICSL Variant Classification Criteria 13 December 2019. Collection method: clinical testing. Allele origin: germline.

NM_033100.4(CDHR1):c.869A>G (p.Asp290Gly)

Gene: CDHR1 (cadherin related family member 1; plus strand). Cytogenetic location: 10q23.1.
Variant type: single nucleotide variant.
Coding change: c.869A>G on transcript NM_033100.4 (MANE Select); coding-DNA position 869, A replaced by G.
Protein change: p.Asp290Gly; replaces aspartic acid 290 with glycine.
Molecular consequence: missense variant.
Genome position (GRCh38, 1-based): chr10:84,205,833, A>G. VCF-style: chr10-84205833-A-G. GRCh37 (hg19) VCF-style: chr10-85965589-A-G.
Other names: c.869A>G, p.Asp290Gly (NM_001171971.3); short protein forms D290G.
Identifiers: ClinVar variation 301228 (VCV000301228.14), dbSNP rs574920135, ClinGen allele CA5579764.